The following is an entry in ClinVar:

ClinVar aggregate classification (germline): Uncertain significance. Review status: criteria provided, multiple submitters, no conflicts (2 of 4 stars). 2 submissions from 2 submitters: Uncertain significance (2). Last evaluated 2025-12-11.

Conditions:
Inborn genetic diseases. Identifiers: MedGen C0950123, MeSH D030342.

Allele frequency attached by ClinVar (database versions not stated): ExAC 0.00001.

Submissions (2):

Labcorp Genetics (formerly Invitae), Labcorp
Classification: Uncertain significance. Last evaluated: 2025-12-11. Review status: criteria provided, single submitter. Criteria: Invitae Variant Classification Sherloc (09022015). Collection method: clinical testing. Allele origin: germline.
Comment: This sequence change replaces glutamic acid, which is acidic and polar, with glycine, which is neutral and non-polar, at codon 514 of the BEST1 protein (p.Glu514Gly). This variant is present in population databases (rs769171188, gnomAD 0.006%). This variant has not been reported in the literature in individuals affected with BEST1-related conditions. ClinVar contains an entry for this variant (Variation ID: 2098975). Invitae Evidence Modeling of protein sequence and biophysical properties (such as structural, functional, and spatial information, amino acid conservation, physicochemical variation, residue mobility, and thermodynamic stability) has been performed for this missense variant. However, the output from this modeling did not meet the statistical confidence thresholds required to predict the impact of this variant on BEST1 protein function. In summary, the available evidence is currently insufficient to determine the role of this variant in disease. Therefore, it has been classified as a Variant of Uncertain Significance.

Ambry Genetics
Classification: Uncertain significance for Inborn genetic diseases. Last evaluated: 2024-07-16. Review status: criteria provided, single submitter. Criteria: Ambry Variant Classification Scheme 2023. Collection method: clinical testing. Allele origin: germline.

NM_004183.4(BEST1):c.1541A>G (p.Glu514Gly)

Gene: BEST1 (bestrophin 1; plus strand). Cytogenetic location: 11q12.3.
Variant type: single nucleotide variant.
Coding change: c.1541A>G on transcript NM_004183.4 (MANE Select); coding-DNA position 1541, A replaced by G.
Protein change: p.Glu514Gly; replaces glutamic acid 514 with glycine.
Molecular consequence: missense variant. On other transcripts: non-coding transcript variant (1).
Genome position (GRCh38, 1-based): chr11:61,962,695, A>G. VCF-style: chr11-61962695-A-G. GRCh37 (hg19) VCF-style: chr11-61730167-A-G.
Other names: c.1361A>G, p.Glu454Gly (NM_001139443.3, NM_001300787.2); c.1280A>G, p.Glu427Gly (NM_001300786.2); c.1223A>G, p.Glu408Gly (NM_001363591.3); c.*436A>G (NM_001363592.2); c.569A>G, p.Glu190Gly (NM_001363593.3); short protein forms E427G, E514G, E190G, E408G, E454G.
Identifiers: ClinVar variation 2098975 (VCV002098975.5), dbSNP rs769171188, ClinGen allele CA6041077.